The following is an entry in ClinVar:

ClinVar aggregate classification (germline): Conflicting classifications of pathogenicity. Review status: criteria provided, conflicting classifications (1 of 4 stars). 3 submissions from 3 submitters: Uncertain significance (2); Likely benign (1). Last evaluated 2025-12-02.

Conditions:
FASLG-related disorder. Also called: FASLG-related condition.
Autoimmune lymphoproliferative syndrome type 1. Also called: AUTOIMMUNE LYMPHOPROLIFERATIVE SYNDROME, TYPE I, AUTOSOMAL DOMINANT. Identifiers: Orphanet 3261, MedGen C2717884, MONDO:0011158, OMIM 601859.

Submissions (3):

Labcorp Genetics (formerly Invitae), Labcorp
Classification: Uncertain significance for Autoimmune lymphoproliferative syndrome. Last evaluated: 2025-12-02. Review status: criteria provided, single submitter. Criteria: Invitae Variant Classification Sherloc (09022015). Collection method: clinical testing. Allele origin: germline.
Comment: This variant, c.153_158dup, results in the insertion of 2 amino acid(s) of the FASLG protein (p.Pro52_Pro53dup), but otherwise preserves the integrity of the reading frame. This variant is present in population databases (rs749237778, gnomAD 0.03%). This variant has not been reported in the literature in individuals affected with FASLG-related conditions. ClinVar contains an entry for this variant (Variation ID: 532228). Experimental studies and prediction algorithms are not available or were not evaluated, and the functional significance of this variant is currently unknown. In summary, the available evidence is currently insufficient to determine the role of this variant in disease. Therefore, it has been classified as a Variant of Uncertain Significance.

Blueprint Genetics
Classification: Likely benign. Last evaluated: 2024-09-05. Review status: criteria provided, single submitter. Criteria: ACMG Guidelines, 2015. Collection method: clinical testing. Allele origin: germline.

PreventionGenetics, part of Exact Sciences
Classification: Uncertain significance for FASLG-related condition. Last evaluated: 2023-02-06. Review status: criteria provided, single submitter. Criteria: ACMG Guidelines, 2015. Collection method: clinical testing. Allele origin: germline.
Comment: The FASLG c.153_158dup6 variant is predicted to result in an in-frame duplication (p.Pro52_Pro53dup). To our knowledge, this variant has not been reported in the literature. This variant is reported in 0.033% of alleles in individuals of European (Non-Finnish) descent in gnomAD, which may be too common to be causative of disease. Although we suspect that this variant may be benign, at this time, the clinical significance of this variant is uncertain due to the absence of conclusive functional and genetic evidence.

NM_000639.3(FASLG):c.147GCCACC[3] (p.Pro52_Pro53dup)

Gene: FASLG (Fas ligand; plus strand). Cytogenetic location: 1q24.3.
Variant type: Microsatellite.
Coding change: c.147GCCACC[3] on transcript NM_000639.3 (MANE Select); three copies in a row of the 6-base unit GCCACC starting at c.147; the reference has two copies in a row; one copy, 6 bases duplicated.
Protein change: p.Pro52_Pro53dup.
Molecular consequence: inframe insertion.
Genome position (GRCh38, 1-based): chr1:172,659,354-172,659,359, GCCACC duplicated; duplicating any 6 consecutive bases within chr1:172,659,343-172,659,359 gives the same sequence; the position shown is the placement nearest the transcript's 3' end. VCF-style (leftmost placement, unchanged base first): chr1-172659342-A-ACCACCG. GRCh37 (hg19) VCF-style: chr1-172628482-A-ACCACCG.
Other names: c.147GCCACC[3], p.Pro52_Pro53dup (NM_001302746.2); c.153_158dup6 (NM_000639.2).
Identifiers: ClinVar variation 532228 (VCV000532228.8), dbSNP rs749237778, ClinGen allele CA1247453.